The following is an entry in ClinVar:

ClinVar aggregate classification (germline): Uncertain significance. Review status: criteria provided, multiple submitters, no conflicts (2 of 4 stars). 2 submissions from 2 submitters: Uncertain significance (2). Last evaluated 2021-08-27.

Conditions:
Progressive myoclonic epilepsy type 7. Identifiers: Orphanet 435438, MedGen C4015420, MONDO:0014521, OMIM 616187.

Submissions (2):

Labcorp Genetics (formerly Invitae), Labcorp
Classification: Uncertain significance for Progressive myoclonic epilepsy type 7. Last evaluated: 2021-08-27. Review status: criteria provided, single submitter. Criteria: Invitae Variant Classification Sherloc (09022015). Collection method: clinical testing. Allele origin: germline.

GeneDx
Classification: Uncertain significance. Last evaluated: 2019-04-15. Review status: criteria provided, single submitter. Criteria: GeneDx Variant Classification Process June 2021. Collection method: clinical testing. Allele origin: germline. Affected: yes.
Comment: Not observed in large population cohorts (Lek et al., 2016); In silico analysis, which includes protein predictors and evolutionary conservation, supports a deleterious effect; Has not been previously published as pathogenic or benign to our knowledge

NM_001112741.2(KCNC1):c.1300G>C (p.Val434Leu)

Gene: KCNC1 (potassium voltage-gated channel subfamily C member 1; plus strand). Cytogenetic location: 11p15.1.
Variant type: single nucleotide variant.
Coding change: c.1300G>C on transcript NM_001112741.2 (MANE Select); coding-DNA position 1300, G replaced by C.
Protein change: p.Val434Leu; replaces valine 434 with leucine.
Molecular consequence: missense variant.
Genome position (GRCh38, 1-based): chr11:17,772,394, G>C. VCF-style: chr11-17772394-G-C. GRCh37 (hg19) VCF-style: chr11-17793941-G-C.
Other names: c.1300G>C, p.Val434Leu (NM_004976.4); short protein forms V434L.
Identifiers: ClinVar variation 835488 (VCV000835488.7), dbSNP rs1849240404, ClinGen allele CA379809216.